The following is an entry in ClinVar:

ClinVar aggregate classification (germline): Pathogenic. Review status: criteria provided, multiple submitters, no conflicts (2 of 4 stars). 3 submissions from 3 submitters: Pathogenic (3). Last evaluated 2024-01-03.

Conditions:
Breast-ovarian cancer, familial, susceptibility to, 3. Also called: RAD51C-Related Breast/Ovarian Cancer. Identifiers: Orphanet 145, MedGen C3150659, MONDO:0013253, OMIM 613399.
Hereditary cancer-predisposing syndrome. Also called: Hereditary Cancer Syndrome; Neoplastic Syndromes, Hereditary; Tumor predisposition; Hereditary neoplastic syndrome. Identifiers: Orphanet 140162, MedGen C0027672, MeSH D009386, MONDO:0015356.

Submissions (3):

Myriad Genetics, Inc.
Classification: Pathogenic for Breast-ovarian cancer, familial, susceptibility to, 3. Last evaluated: 2024-01-03. Review status: criteria provided, single submitter. Criteria: Myriad Autosomal Dominant, Autosomal Recessive and X-Linked Classification Criteria (2023). Collection method: clinical testing. Allele origin: unknown.
Comment: This variant is considered pathogenic. This variant creates a frameshift predicted to result in premature protein truncation.

Ambry Genetics
Classification: Pathogenic for Hereditary cancer-predisposing syndrome. Last evaluated: 2023-06-16. Review status: criteria provided, single submitter. Criteria: Ambry Variant Classification Scheme 2023. Collection method: clinical testing. Allele origin: germline.
Comment: The c.821delA pathogenic mutation, located in coding exon 5 of the RAD51C gene, results from a deletion of one nucleotide at nucleotide position 821, causing a translational frameshift with a predicted alternate stop codon (p.N274Ifs*5). This alteration is expected to result in loss of function by premature protein truncation or nonsense-mediated mRNA decay. As such, this alteration is interpreted as a disease-causing mutation.

Color Diagnostics, LLC DBA Color Health
Classification: Pathogenic for Hereditary cancer-predisposing syndrome. Last evaluated: 2021-04-26. Review status: criteria provided, single submitter. Criteria: ACMG Guidelines, 2015. Collection method: clinical testing. Allele origin: germline.
Comment: This variant deletes 1 nucleotide in exon 5 of the RAD51C gene, creating a frameshift and premature translation stop signal. This variant is expected to result in an absent or non-functional protein product. To our knowledge, this variant has not been reported in individuals affected with hereditary cancer in the literature. This variant has been identified in 1/251410 chromosomes in the general population by the Genome Aggregation Database (gnomAD). Loss of RAD51C function is a known mechanism of disease. Based on the available evidence, this variant is classified as Pathogenic.

NM_058216.3(RAD51C):c.821del (p.Asn274fs)

Gene: RAD51C (RAD51 paralog C; plus strand). Cytogenetic location: 17q22.
Variant type: Deletion.
Coding change: c.821del on transcript NM_058216.3 (MANE Select); coding-DNA position 821, one base deleted (A; older notation c.821delA).
Protein change: p.Asn274fs; shifts the reading frame from asparagine 274.
Molecular consequence: frameshift variant. On other transcripts: non-coding transcript variant (1).
Genome position (GRCh38, 1-based): chr17:58,709,974, A deleted; the last of 3 consecutive A bases (chr17:58,709,972-58,709,974); deleting any one gives the same sequence. VCF-style (leftmost placement, unchanged base first): chr17-58709971-CA-C. GRCh37 (hg19) VCF-style: chr17-56787332-CA-C.
Other names: c.821delA (NM_058216.2); short protein forms N274fs.
Identifiers: ClinVar variation 480505 (VCV000480505.8), dbSNP rs1466185247, ClinGen allele CA626735758.